The following is an entry in ClinVar:

ClinVar aggregate classification (germline): Uncertain significance (1 of 4 stars; one submission).

Conditions:
Hypertrophic cardiomyopathy 26. Also called: Cardiomyopathy, familial hypertrophic, 26. Identifiers: Orphanet 75249, MedGen C4310749, MONDO:0014883, OMIM 617047.
Myofibrillar myopathy 5. Also called: Filaminopathy (type); FILAMINOPATHY, AUTOSOMAL DOMINANT. Identifiers: Orphanet 171445, MedGen C1836050, MONDO:0012289, OMIM 609524.
Distal myopathy with posterior leg and anterior hand involvement. Also called: WILLIAMS DISTAL MYOPATHY. Identifiers: Orphanet 63273, MedGen C3279722, MONDO:0013550, OMIM 614065.

Submission:

Labcorp Genetics (formerly Invitae), Labcorp
Classification: Uncertain significance for Distal myopathy with posterior leg and anterior hand involvement; Myofibrillar myopathy 5; Hypertrophic cardiomyopathy 26. Last evaluated: 2023-12-05. Review status: criteria provided, single submitter. Criteria: Invitae Variant Classification Sherloc (09022015). Collection method: clinical testing. Allele origin: germline.
Comment: This sequence change replaces proline, which is neutral and non-polar, with glutamine, which is neutral and polar, at codon 417 of the FLNC protein (p.Pro417Gln). This variant is not present in population databases (gnomAD no frequency). This variant has not been reported in the literature in individuals affected with FLNC-related conditions. Advanced modeling of protein sequence and biophysical properties (such as structural, functional, and spatial information, amino acid conservation, physicochemical variation, residue mobility, and thermodynamic stability) has been performed at Invitae for this missense variant, however the output from this modeling did not meet the statistical confidence thresholds required to predict the impact of this variant on FLNC protein function. In summary, the available evidence is currently insufficient to determine the role of this variant in disease. Therefore, it has been classified as a Variant of Uncertain Significance.

NM_001458.5(FLNC):c.1250C>A (p.Pro417Gln)

Gene: FLNC (filamin C; plus strand). Cytogenetic location: 7q32.1.
Variant type: single nucleotide variant.
Coding change: c.1250C>A on transcript NM_001458.5 (MANE Select); coding-DNA position 1250, C replaced by A.
Protein change: p.Pro417Gln; replaces proline 417 with glutamine.
Molecular consequence: missense variant.
Genome position (GRCh38, 1-based): chr7:128,838,642, C>A. VCF-style: chr7-128838642-C-A. GRCh37 (hg19) VCF-style: chr7-128478696-C-A.
Other names: c.1250C>A, p.Pro417Gln (NM_001127487.2); short protein forms P417Q.
Identifiers: ClinVar variation 2954445 (VCV002954445.3), dbSNP rs1808204189, ClinGen allele CA369224450.
Genomic context (GRCh38, chr7:128,838,642, plus strand): 5'-GACAGCCTCTGTTTTCGGCAGGGGCCGGCACTGGCGATGTTGCTGTGGTGATCGTGGACC[C>A]ACAGGGCCGGCGGGACACAGTGGAGGTGGCCCTGGAGGACAAGGGTGACAGCACGTTCCG-3'
Protein context (NP_001449.3, residues 407-427): TGDVAVVIVD[Pro417Gln]QGRRDTVEVA